The following is an entry in ClinVar:

ClinVar aggregate classification (germline): Uncertain significance (1 of 4 stars; one submission).

Submission:

Labcorp Genetics (formerly Invitae), Labcorp
Classification: Uncertain significance. Last evaluated: 2023-04-09. Review status: criteria provided, single submitter. Criteria: Invitae Variant Classification Sherloc (09022015). Collection method: clinical testing. Allele origin: germline.
Comment: In summary, the available evidence is currently insufficient to determine the role of this variant in disease. Therefore, it has been classified as a Variant of Uncertain Significance. An algorithm developed to predict the effect of missense changes on protein structure and function (PolyPhen-2) suggests that this variant is likely to be disruptive. This variant has not been reported in the literature in individuals affected with SLC7A14-related conditions. This variant is not present in population databases (gnomAD no frequency). This sequence change replaces serine, which is neutral and polar, with cysteine, which is neutral and slightly polar, at codon 173 of the SLC7A14 protein (p.Ser173Cys).

NM_020949.3(SLC7A14):c.517A>T (p.Ser173Cys)

Genes: SLC7A14 (solute carrier family 7 member 14; minus strand), SLC7A14-AS1 (SLC7A14 antisense RNA 1; plus strand). Cytogenetic location: 3q26.2.
Variant type: single nucleotide variant.
Coding change: c.517A>T on transcript NM_020949.3 (MANE Select); coding-DNA position 517, A replaced by T.
Protein change: p.Ser173Cys; replaces serine 173 with cysteine.
Molecular consequence: missense variant.
Genome position (GRCh38, 1-based): chr3:170,501,133, T>A on the plus strand (A>T on the coding strand, the complement: SLC7A14 is on the minus strand). VCF-style: chr3-170501133-T-A. GRCh37 (hg19) VCF-style: chr3-170218922-T-A.
Other names: short protein forms S173C.
Identifiers: ClinVar variation 2854062 (VCV002854062.3), dbSNP rs2473394680, ClinGen allele CA355516867.